The following is an entry in ClinVar:

ClinVar aggregate classification (germline): Pathogenic (1 of 4 stars; one submission).

Conditions:
Intellectual developmental disorder, X-linked 1. Also called: Atkin Flaitz Patil Smith syndrome; MENTAL RETARDATION, X-LINKED 18; MENTAL RETARDATION, X-LINKED 78; Intellectual disability, X-linked 1. Identifiers: Orphanet 777, MedGen C2931498, MONDO:0010656, OMIM 309530.

Submission:

Labcorp Genetics (formerly Invitae), Labcorp
Classification: Pathogenic for Intellectual developmental disorder, X-linked 1. Last evaluated: 2019-03-03. Review status: criteria provided, single submitter. Criteria: Invitae Variant Classification Sherloc (09022015). Collection method: clinical testing. Allele origin: germline.
Comment: For these reasons, this variant has been classified as Pathogenic. Loss-of-function variants in IQSEC2 are known to be pathogenic (PMID: 21686261, 26793055, 27665735). This variant has not been reported in the literature in individuals with IQSEC2-related conditions. This variant is not present in population databases (ExAC no frequency). This sequence change creates a premature translational stop signal (p.Glu506Aspfs*11) in the IQSEC2 gene. It is expected to result in an absent or disrupted protein product.

Literature cited by the submitters: PubMed 21686261; PubMed 26793055; PubMed 27665735.

NM_001111125.3(IQSEC2):c.1517_1518insTCTT (p.Glu506fs)

Gene: IQSEC2 (IQ motif and Sec7 domain ArfGEF 2; minus strand). Cytogenetic location: Xp11.22.
Variant type: Insertion.
Coding change: c.1517_1518insTCTT on transcript NM_001111125.3 (MANE Select); coding-DNA positions 1517 to 1518, TCTT inserted.
Protein change: p.Glu506fs; shifts the reading frame from glutamic acid 506.
Molecular consequence: frameshift variant.
Genome position: GRCh38 VCF-style: chrX-53251058-C-CAAGA. GRCh37 (hg19) VCF-style: chrX-53280240-C-CAAGA.
Other names: c.902_903insTCTT, p.Glu301fs (NM_015075.2); short protein forms E506fs, E301fs.
Identifiers: ClinVar variation 859293 (VCV000859293.8), dbSNP rs2074383129, ClinGen allele CA916083958.